The following is an entry in ClinVar:

ClinVar aggregate classification (germline): Conflicting classifications of pathogenicity. Review status: criteria provided, conflicting classifications (1 of 4 stars). 3 submissions from 3 submitters: Uncertain significance (1); Likely benign (2). Last evaluated 2025-04-23.

Conditions:
Fanconi anemia complementation group J. Also called: BRIP1-Related Fanconi Anemia. Identifiers: Orphanet 84, MedGen C1836860, MONDO:0012187, OMIM 609054.
Familial cancer of breast. Also called: hereditary breast carcinoma; BREAST CANCER, FAMILIAL; Hereditary breast cancer. Identifiers: Orphanet 227535, MedGen C0346153, MONDO:0016419, OMIM 114480. Disease mechanism: loss of function.

Allele frequency attached by ClinVar (database versions not stated): gnomAD exomes below 0.00001; TOPMed below 0.00001; gnomAD 0.00001.
gnomAD v4.1: 3 of 1,606,762 alleles (0.00019%); highest among the groups gnomAD compares: Admixed American, 0.0034%; no homozygotes.

Submissions (3):

Labcorp Genetics (formerly Invitae), Labcorp
Classification: Likely benign for Familial cancer of breast; Fanconi anemia complementation group J. Last evaluated: 2025-04-23. Review status: criteria provided, single submitter. Criteria: Invitae Variant Classification Sherloc (09022015). Collection method: clinical testing. Allele origin: germline.

Myriad Genetics, Inc.
Classification: Likely benign for Familial cancer of breast. Last evaluated: 2024-08-21. Review status: criteria provided, single submitter. Criteria: Myriad Autosomal Dominant, Autosomal Recessive and X-Linked Classification Criteria (2023). Collection method: clinical testing. Allele origin: unknown.
Comment: This variant is considered likely benign. This variant is intronic and is not expected to impact mRNA splicing.

GeneDx
Classification: Uncertain significance. Last evaluated: 2017-10-17. Review status: criteria provided, single submitter. Criteria: GeneDx Variant Classification (06012015). Collection method: clinical testing. Allele origin: germline. Affected: yes.
Comment: This variant is denoted BRIP1 c.380-9T>C or IVS4-9T>C and consists of a T>C nucleotide substitution at the -9 position of intron 4 of the BRIP1 gene. This variant has not, to our knowledge, been published in the literature as pathogenic or benign. The thymine (T) nucleotide that is altered is conserved across species. In silico splicing models are uninformative; therefore, in the absence of RNA or functional studies, the actual effect of this variant is unknown. Based on currently available information, it is unclear whether BRIP1 c.380-9T>C is pathogenic or benign. We consider it to be a variant of uncertain significance.

NM_032043.3(BRIP1):c.380-9T>C

Gene: BRIP1 (BRCA1 interacting DNA helicase 1; minus strand). Cytogenetic location: 17q23.2.
Variant type: single nucleotide variant.
Coding change: c.380-9T>C on transcript NM_032043.3 (MANE Select); 9 bases into the intron before coding-DNA position 380, T replaced by C.
Molecular consequence: intron variant.
Genome position (GRCh38, 1-based): chr17:61,849,265, A>G on the plus strand (T>C on the coding strand, the complement: BRIP1 is on the minus strand). VCF-style: chr17-61849265-A-G. GRCh37 (hg19) VCF-style: chr17-59926626-A-G.
Identifiers: ClinVar variation 234650 (VCV000234650.14), dbSNP rs876661141, ClinGen allele CA10577567.